The following is an entry in ClinVar:

ClinVar aggregate classification (germline): Pathogenic/Likely pathogenic. Review status: criteria provided, multiple submitters, no conflicts (2 of 4 stars). 3 submissions from 3 submitters: Pathogenic (2); Likely pathogenic (1). Last evaluated 2024-08-06.

Conditions:
PDE6A-related disorder. Also called: PDE6A-related condition.

Submissions (3):

Labcorp Genetics (formerly Invitae), Labcorp
Classification: Pathogenic. Last evaluated: 2024-08-06. Review status: criteria provided, single submitter. Criteria: Invitae Variant Classification Sherloc (09022015). Collection method: clinical testing. Allele origin: germline.
Comment: This sequence change creates a premature translational stop signal (p.Cys272*) in the PDE6A gene. It is expected to result in an absent or disrupted protein product. Loss-of-function variants in PDE6A are known to be pathogenic (PMID: 7493036, 22128245, 23847139). This variant is not present in population databases (gnomAD no frequency). This variant has not been reported in the literature in individuals affected with PDE6A-related conditions. ClinVar contains an entry for this variant (Variation ID: 866821). For these reasons, this variant has been classified as Pathogenic.

Blueprint Genetics
Classification: Likely pathogenic for PDE6A-related disorders. Last evaluated: 2021-08-24. Review status: criteria provided, single submitter. Criteria: ACMG Guidelines, 2015. Collection method: clinical testing. Allele origin: germline. Affected: yes. Observed: 2 variant alleles.

Institute of Medical Genetics and Applied Genomics, University Hospital Tübingen
Classification: Pathogenic. Last evaluated: 2020-10-23. Review status: criteria provided, single submitter. Criteria: ACMG Guidelines, 2015. Collection method: clinical testing. Allele origin: germline. Inheritance: Autosomal recessive inheritance. Affected: yes.

Literature cited by the submitters: PubMed 7493036 (cited by Labcorp Genetics (formerly Invitae), Labcorp); PubMed 22128245 (cited by Labcorp Genetics (formerly Invitae), Labcorp); PubMed 23847139 (cited by Labcorp Genetics (formerly Invitae), Labcorp).

NM_000440.3(PDE6A):c.816T>A (p.Cys272Ter)

Gene: PDE6A (phosphodiesterase 6A; minus strand). Cytogenetic location: 5q32.
Variant type: single nucleotide variant.
Coding change: c.816T>A on transcript NM_000440.3 (MANE Select); coding-DNA position 816, T replaced by A.
Protein change: p.Cys272Ter; replaces cysteine 272 with a stop codon.
Molecular consequence: nonsense.
Genome position (GRCh38, 1-based): chr5:149,931,070, A>T on the plus strand (T>A on the coding strand, the complement: PDE6A is on the minus strand). VCF-style: chr5-149931070-A-T. GRCh37 (hg19) VCF-style: chr5-149310633-A-T.
Other names: short protein forms C272*.
Identifiers: ClinVar variation 866821 (VCV000866821.11), dbSNP rs1754021035, ClinGen allele CA361696466.